The following is an entry in ClinVar:

NM_032638.5(GATA2):c.1172_1175del (p.Glu391fs)

Gene: GATA2 (GATA binding protein 2; minus strand). Cytogenetic location: 3q21.3.
Variant type: Microsatellite.
Coding change: c.1172_1175del on transcript NM_032638.5 (MANE Select); coding-DNA positions 1172 to 1175, 4 bases deleted (AAGG; older notation c.1172_1175delAAGG).
Protein change: p.Glu391fs; shifts the reading frame from glutamic acid 391.
Molecular consequence: frameshift variant.
Genome position (GRCh38, 1-based): chr3:128,481,287-128,481,290, CCTT deleted on the plus strand (AAGG on the coding strand, the reverse complement: GATA2 is on the minus strand); deleting any 4 consecutive bases within chr3:128,481,287-128,481,295 gives the same sequence; the c. name uses the placement nearest the transcript's 3' end. VCF-style (leftmost placement, unchanged base first): chr3-128481286-CCCTT-C. GRCh37 (hg19) VCF-style: chr3-128200129-CCCTT-C.
Other names: c.1172_1175del, p.Glu391fs (NM_001145661.2); c.1130_1133del, p.Glu377fs (NM_001145662.1); short protein forms E377fs, E391fs.
Identifiers: ClinVar variation 1184012 (VCV001184012.1), dbSNP rs2107668072, ClinGen allele CA2580616527.
Genomic context (GRCh38, chr3:128,481,286, plus strand): 5'-CTCCGCCCCTTTCTTGCTCTTCTTGGACTTGTTGGACATCTTCCGGTTCCGAGTCTGGAT[CCCTT>C]CCTTCTTCATGGTCAGTGGCCTGTTAACCTAGAGGCAACCACCAGTTTTCAGAGGGCCAG-3'

ClinVar aggregate classification (germline): Pathogenic (1 of 4 stars; one submission).

Conditions:
Deafness-lymphedema-leukemia syndrome. Also called: Emberger syndrome; Lymphedema, primary, with myelodysplasia. Identifiers: Orphanet 3226, MedGen C3279664, MONDO:0013540, OMIM 614038.
GATA2 deficiency with susceptibility to MDS/AML. Identifiers: MedGen CN300066, MONDO:0042982.

Submission:

Molecular Pathology Research Laboratory, SA Pathology
Classification: Pathogenic for GATA2 deficiency with susceptibility to MDS/AML; Deafness-lymphedema-leukemia syndrome. Last evaluated: 2021-07-06. Review status: criteria provided, single submitter. Criteria: ACMG Guidelines, 2015. Collection method: curation. Allele origin: unknown. Inheritance: Autosomal dominant inheritance. Affected: yes. Observed: 1 variant allele.
Comment: PVS1, PS4_Supporting, PM2

Literature cited by the submitters: PubMed 30564229.